The following is an entry in ClinVar:

ClinVar aggregate classification (germline): Uncertain significance (1 of 4 stars; one submission).

gnomAD v4.1: 1 of 1,204,036 alleles (0.000083%); highest among the groups gnomAD compares: Non-Finnish European, 0.00011%; no homozygotes.

Submission:

GeneDx
Classification: Uncertain significance. Last evaluated: 2025-07-27. Review status: criteria provided, single submitter. Criteria: GeneDx Variant Classification Process June 2021. Collection method: clinical testing. Allele origin: germline. Affected: yes.
Comment: Not observed at significant frequency in large population cohorts (gnomAD); In silico analysis supports that this missense variant has a deleterious effect on protein structure/function; Has not been previously published as pathogenic or benign to our knowledge; Reported using an alternate transcript of the gene

NM_078629.4(MSL3):c.212A>G (p.His71Arg)

Gene: MSL3 (MSL complex subunit 3; plus strand). Cytogenetic location: Xp22.2.
Variant type: single nucleotide variant.
Coding change: c.212A>G on transcript NM_078629.4 (MANE Select); coding-DNA position 212, A replaced by G.
Protein change: p.His71Arg; replaces histidine 71 with arginine.
Molecular consequence: missense variant. On other transcripts: 5 prime UTR variant (2).
Genome position (GRCh38, 1-based): chrX:11,760,429, A>G. VCF-style: chrX-11760429-A-G. GRCh37 (hg19) VCF-style: chrX-11778548-A-G.
Other names: c.176A>G, p.His59Arg (NM_001193270.2); c.-153A>G (NM_001282174.1); c.-287A>G (NM_006800.4); c.212A>G, p.His71Arg (NM_078628.2); short protein forms H59R, H71R.
Identifiers: ClinVar variation 4755725 (VCV004755725.1).
Genomic context (GRCh38, chrX:11,760,429, plus strand): 5'-TAAAGTACTGAATTTTCCTTTTTTGTTCAATTAGCTGGGATAGATGGGCAGCAGAAGATC[A>G]TGTGCTTCGTGATACCGATGAAAATCGTAGATTACAGCGTAAATTGGCAAGAAAAGCTGT-3'
Protein context (NP_523353.2, residues 61-81): RSWDRWAAED[His71Arg]VLRDTDENRR